The following is an entry in ClinVar:

ClinVar aggregate classification (germline): Likely benign. Review status: criteria provided, multiple submitters, no conflicts (2 of 4 stars). 3 submissions from 3 submitters: Likely benign (2). 1 of the submissions does not count toward it. Last evaluated 2026-08-01.

Conditions:
Beckwith-Wiedemann syndrome (BWS). Also called: Exomphalos macroglossia gigantism syndrome; EMG SYNDROME. Identifiers: Orphanet 116, MedGen C0004903, MONDO:0007534, OMIM 130650.
CDKN1C-related disorder. Also called: CDKN1C-related condition.

Submissions (3):

CeGaT Center for Human Genetics Tuebingen
Classification: Likely benign. Last evaluated: 2026-08-01. Review status: criteria provided, single submitter. Criteria: CeGaT Center For Human Genetics Tuebingen Variant Classification Criteria Version 2. Collection method: clinical testing. Allele origin: germline. Affected: yes. Observed: 1 variant allele.
Comment: CDKN1C: BP4, BP7

Labcorp Genetics (formerly Invitae), Labcorp
Classification: Likely benign for Beckwith-Wiedemann syndrome. Last evaluated: 2022-01-27. Review status: criteria provided, single submitter. Criteria: Invitae Variant Classification Sherloc (09022015). Collection method: clinical testing. Allele origin: germline.

PreventionGenetics, part of Exact Sciences
Classification: Likely benign for CDKN1C-related condition. Last evaluated: 2022-07-15. Review status: no assertion criteria provided. Collection method: clinical testing. Allele origin: germline. Not counted in ClinVar's aggregate classification.
Comment: This variant is classified as likely benign based on ACMG/AMP sequence variant interpretation guidelines (Richards et al. 2015 PMID: 25741868, with internal and published modifications).

NM_001122630.2(CDKN1C):c.561G>A (p.Pro187=)

Gene: CDKN1C (cyclin dependent kinase inhibitor 1C; minus strand). Cytogenetic location: 11p15.4.
Variant type: single nucleotide variant.
Coding change: c.561G>A on transcript NM_001122630.2 (MANE Select); coding-DNA position 561, G replaced by A.
Protein change: p.Pro187=; no amino-acid change (proline 187 retained).
Molecular consequence: synonymous variant. On other transcripts: intron variant (1).
Genome position (GRCh38, 1-based): chr11:2,884,896, C>T on the plus strand (G>A on the coding strand, the complement: CDKN1C is on the minus strand). VCF-style: chr11-2884896-C-T. GRCh37 (hg19) VCF-style: chr11-2906126-C-T.
Other names: c.594G>A, p.Pro198= (NM_000076.2, NM_001362474.2); c.561G>A, p.Pro187= (NM_001122631.2); c.255+306G>A (NM_001362475.2).
Identifiers: ClinVar variation 1656953 (VCV001656953.11), dbSNP rs1848937184, ClinGen allele CA472832425.
Genomic context (GRCh38, chr11:2,884,896, plus strand): 5'-CGCGTCCGGGGCCGGGGCCGGGGCGGGGGCCGGGGCCGGGGCCGGGGCCGGGGCTGGGGC[C>T]GGGGCCGCGACTGGAGCCGGGGCCGGAGCCGGAGCCGGAGCCGGGGCCGGGGCCGGGGCC-3'
Protein context (NP_001116102.1, residues 177-197): PAPAPAPVAA[Pro187=]APAPAPAPAP